The following is an entry in ClinVar:

NM_144672.4(OTOA):c.2353A>C (p.Thr785Pro)

Gene: OTOA (otoancorin). Cytogenetic location: 16p12.2.
Variant type: single nucleotide variant.
Coding change: c.2353A>C on transcript NM_144672.4 (MANE Select); coding-DNA position 2353, A replaced by C.
Protein change: p.Thr785Pro; replaces threonine 785 with proline.
Molecular consequence: missense variant.
Genome position (GRCh38, 1-based): chr16:21,736,312, A>C. VCF-style: chr16-21736312-A-C. GRCh37 (hg19) VCF-style: chr16-21747633-A-C.
Other names: p.Thr785Pro; c.2116A>C, p.Thr706Pro (NM_001161683.2); c.1381A>C, p.Thr461Pro (NM_170664.3); short protein forms T785P, T461P, T706P.
Identifiers: ClinVar variation 218840 (VCV000218840.12), dbSNP rs464696, ClinGen allele CA248918.

ClinVar aggregate classification (germline): Conflicting classifications of pathogenicity. Review status: criteria provided, conflicting classifications (1 of 4 stars). 6 submissions from 6 submitters: Uncertain significance (3); Benign (2); Likely benign (1). Last evaluated 2026-09-08.

Conditions:
OTOA-related disorder. Also called: OTOA-related condition.
Inborn genetic diseases. Identifiers: MedGen C0950123, MeSH D030342.
Autosomal recessive nonsyndromic hearing loss 22. Identifiers: Orphanet 90636, MedGen C1846896, MONDO:0011762, OMIM 607039.

Allele frequency attached by ClinVar (database versions not stated): gnomAD 0.00839 and 0.00928; 1000 Genomes Project 30x 0.06027.
gnomAD v4.1: 5,216 of 1,567,854 alleles (0.33%); highest among the groups gnomAD compares: East Asian, 11%; no homozygotes.

Submissions (6):

PreventionGenetics, part of Exact Sciences
Classification: Uncertain significance for OTOA-related condition. Last evaluated: 2026-09-08. Review status: criteria provided, single submitter. Criteria: ACMG Guidelines, 2015. Collection method: clinical testing. Allele origin: germline.
Comment: The OTOA c.2353A>C variant is predicted to result in the amino acid substitution p.Thr785Pro. This variant in exon 22 corresponds to a known missense variant from the partial OTOA pseudogene that has paralogy to OTOA exons 21 to 29. This variant was reported in the compound heterozygous state with the same truncating variant (p.Glu787*, also a known pseudogene variant) in five presumably unrelated individuals with auditory neuropathy or hearing loss (Table S8, Song et al. 2021. PubMed ID: 34175691; Jin et al. 2024. PubMed ID: 39767564). However, the location of this variant in the functional gene was not confirmed in any of these studies. This variant is reported in 0.84% of alleles in individuals of East Asian descent in gnomAD, although NGS based data may be unreliable due to sequence paralogy. At this time, the clinical significance of this variant is uncertain due to the absence of conclusive functional and genetic evidence.

Ambry Genetics
Classification: Likely benign for Inborn genetic diseases. Last evaluated: 2026-02-06. Review status: criteria provided, single submitter. Criteria: Ambry Variant Classification Scheme 2023. Collection method: clinical testing. Allele origin: germline.

Women's Health and Genetics/Laboratory Corporation of America, LabCorp
Classification: Benign. Last evaluated: 2025-09-05. Review status: criteria provided, single submitter. Criteria: LabCorp Variant Classification Summary - May 2015. Collection method: clinical testing. Allele origin: germline.
Comment: Variant summary: OTOA c.2353A>C (p.Thr785Pro) results in a non-conservative amino acid change in the encoded protein sequence. Algorithms developed to predict the effect of missense changes on protein structure and function are either unavailable or do not agree on the potential impact of this missense change. The variant allele was found at a frequency of 0.0033 in 1567854 control chromosomes. The observed variant frequency exceeds the estimated maximal expected allele frequency for disease-causing variants in OTOA. c.2353A>C has been observed as a non-informative genotype in cis with a different variant in the OTOA gene (reported as c.2401G>T, p.Glu801*, rs200988634, NM_144672) in a family where the cause of deafness was attributed to a dominantly segregating variant in a different gene (MYO6, c.2717C>A, p.Ser906*). These report(s) do not provide unequivocal conclusions about association of the variant with Autosomal Recessive Nonsyndromic Hearing Loss 22. To our knowledge, no experimental evidence demonstrating an impact on protein function has been reported. ClinVar contains an entry for this variant (Variation ID: 218840). Based on the evidence outlined above, the variant was classified as benign.

Laboratory for Molecular Medicine, Mass General Brigham Personalized Medicine
Classification: Benign. Last evaluated: 2019-01-04. Review status: criteria provided, single submitter. Criteria: LMM Criteria. Collection method: clinical testing. Allele origin: germline. Observed: 2 variant alleles.
Comment: The p.Thr785Pro variant in OTOA is classified as benign because it has been iden tified in 0.9% (139/15388) of East Asian chromosomes by gnomAD. Furthermore, the threonine (Thr) at this position is not cons erved across species. Over 10 mammals carry a proline (Pro) at this position.

Fulgent Genetics
Classification: Uncertain significance for Autosomal recessive nonsyndromic hearing loss 22. Last evaluated: 2018-10-31. Review status: criteria provided, single submitter. Criteria: ACMG Guidelines, 2015. Collection method: clinical testing. Allele origin: unknown.

Genomic Diagnostic Laboratory, Division of Genomic Diagnostics, Children's Hospital of Philadelphia
Classification: Uncertain significance. Last evaluated: 2015-10-31. Review status: criteria provided, single submitter. Criteria: DGD Variant Analysis Guidelines. Collection method: clinical testing. Allele origin: unknown.

Literature cited by the submitters: PubMed 29044474 (cited by Women's Health and Genetics/Laboratory Corporation of America, LabCorp).